The following is an entry in ClinVar:

NM_006015.6(ARID1A):c.670C>A (p.Pro224Thr)

Genes: ARID1A (AT-rich interaction domain 1A; plus strand), LOC129929837 (ATAC-STARR-seq lymphoblastoid silent region 489; plus strand). Cytogenetic location: 1p36.11.
Variant type: single nucleotide variant.
Coding change: c.670C>A on transcript NM_006015.6 (MANE Select); coding-DNA position 670, C replaced by A.
Protein change: p.Pro224Thr; replaces proline 224 with threonine.
Molecular consequence: missense variant.
Genome position (GRCh38, 1-based): chr1:26,697,073, C>A. VCF-style: chr1-26697073-C-A. GRCh37 (hg19) VCF-style: chr1-27023564-C-A.
Other names: c.670C>A, p.Pro224Thr (NM_139135.4); short protein forms P224T.
Identifiers: ClinVar variation 3346296 (VCV003346296.1).

ClinVar aggregate classification (germline): Uncertain significance (0 of 4 stars; one submission).

Conditions:
ARID1A-related disorder. Also called: ARID1A-related condition.

Submission:

PreventionGenetics, part of Exact Sciences
Classification: Uncertain significance for ARID1A-related condition. Last evaluated: 2024-05-10. Review status: no assertion criteria provided. Collection method: clinical testing. Allele origin: germline.
Comment: The ARID1A c.670C>A variant is predicted to result in the amino acid substitution p.Pro224Thr. To our knowledge, this variant has not been reported in the literature or in a large population database, indicating this variant is rare. At this time, the clinical significance of this variant is uncertain due to the absence of conclusive functional and genetic evidence.